The following is an entry in ClinVar:

NM_001267550.2(TTN):c.5503C>A (p.Gln1835Lys)

Gene: TTN (titin; minus strand). Cytogenetic location: 2q31.2.
Variant type: single nucleotide variant.
Coding change: c.5503C>A on transcript NM_001267550.2 (MANE Select); coding-DNA position 5503, C replaced by A.
Protein change: p.Gln1835Lys; replaces glutamine 1835 with lysine.
Molecular consequence: missense variant.
Genome position (GRCh38, 1-based): chr2:178,776,361, G>T on the plus strand (C>A on the coding strand, the complement: TTN is on the minus strand). VCF-style: chr2-178776361-G-T. GRCh37 (hg19) VCF-style: chr2-179641088-G-T.
Other names: c.5503C>A (NM_001267550.1); c.5503C>A, p.Gln1835Lys (NM_001256850.1, NM_133378.4, NM_133379.5); c.5365C>A, p.Gln1789Lys (NM_003319.4, NM_133432.3, NM_133437.4); short protein forms Q1835K, Q1789K.
Identifiers: ClinVar variation 178919 (VCV000178919.14), dbSNP rs537070177, ClinGen allele CA183309.
Genomic context (GRCh38, chr2:178,776,361, plus strand): 5'-CTTCAAGTACTCTAACTGGCTCTGGGTACAAGACAATGTCTGGCTTTTGCTTTTCTTTCT[G>T]ATCTGTTGTTACACCTGTAAGTGCACCTTCATGAGCCATTCTCTCTAATTCTTCAATTCT-3'
Protein context (NP_001254479.2, residues 1825-1845): EGALTGVTTD[Gln1835Lys]KEKQKPDIVL

ClinVar aggregate classification (germline): Conflicting classifications of pathogenicity. Review status: criteria provided, conflicting classifications (1 of 4 stars). 11 submissions from 7 submitters: Uncertain significance (10); Likely benign (1). Last evaluated 2025-05-14.

Conditions:
Tibial muscular dystrophy (TMD). Also called: Tibial muscular dystrophy, tardive; UDD MYOPATHY; Udd Distal Myopathy – Tibial Muscular Dystrophy. Identifiers: Orphanet 609, MedGen C1838244, MONDO:0010870, OMIM 600334.
Autosomal recessive limb-girdle muscular dystrophy type 2J (LGMDR10). Also called: Limb-girdle muscular dystrophy, type 2J; MUSCULAR DYSTROPHY, LIMB-GIRDLE, AUTOSOMAL RECESSIVE 10. Identifiers: Orphanet 140922, MedGen C1837342, MONDO:0012127, OMIM 608807.
Hypertrophic cardiomyopathy 9. Also called: Familial hypertrophic cardiomyopathy 9. Identifiers: MedGen C1861065, MONDO:0013412, OMIM 613765.
Dilated cardiomyopathy 1G (CMD1G). Identifiers: Orphanet 154, MedGen C1858763, MONDO:0011400, OMIM 604145.
Myopathy, myofibrillar, 9, with early respiratory failure (MFM9). Also called: Hereditary myopathy with early respiratory failure; EDSTROM MYOPATHY; MYOPATHY, PROXIMAL, WITH EARLY RESPIRATORY MUSCLE INVOLVEMENT; Myopathy, distal, with early respiratory failure, autosomal dominant. Identifiers: Orphanet 178464, Orphanet 34521, MedGen C1863599, MONDO:0011362, OMIM 603689.
Early-onset myopathy with fatal cardiomyopathy (CMYO5). Also called: CONGENITAL MYOPATHY 5 WITH CARDIOMYOPATHY; Salih Myopathy. Identifiers: Orphanet 289377, MedGen C2673677, MONDO:0012714, OMIM 611705. Disease mechanism: loss of function.

Allele frequency attached by ClinVar (database versions not stated): gnomAD 0.00002; TOPMed 0.00004.
gnomAD v4.1: 58 of 1,613,376 alleles (0.0036%); highest among the groups gnomAD compares: Non-Finnish European, 0.0045%; no homozygotes.

Submissions (11):

Athena Diagnostics
Classification: Uncertain significance. Last evaluated: 2025-05-14. Review status: criteria provided, single submitter. Criteria: Athena Diagnostics Criteria. Collection method: clinical testing. Allele origin: unknown.
Comment: Available data are insufficient to determine the clinical significance of the variant at this time. The frequency of this variant in the general population is uninformative in assessment of its pathogenicity. Polyphen and MutationTaster predict this amino acid change may be benign.

Blueprint Genetics
Classification: Likely benign. Last evaluated: 2024-05-08. Review status: criteria provided, single submitter. Criteria: ACMG Guidelines, 2015. Collection method: clinical testing. Allele origin: germline.

Women's Health and Genetics/Laboratory Corporation of America, LabCorp
Classification: Uncertain significance. Last evaluated: 2024-01-16. Review status: criteria provided, single submitter. Criteria: LabCorp Variant Classification Summary - May 2015. Collection method: clinical testing. Allele origin: germline.
Comment: Variant summary: TTN c.5503C>A (p.Gln1835Lys) results in a conservative amino acid change located in the near Z-disk/I-band of the encoded protein sequence. Five of five in-silico tools predict a benign effect of the variant on protein function. The variant allele was found at a frequency of 1.6e-05 in 250788 control chromosomes. The available data on variant occurrences in the general population are insufficient to allow any conclusion about variant significance. To our knowledge, no occurrence of c.5503C>A in individuals affected with Dilated Cardiomyopathy and no experimental evidence demonstrating its impact on protein function have been reported. ClinVar contains an entry for this variant (Variation ID: 178919). Based on the evidence outlined above, the variant was classified as uncertain significance.

Department of Pathology and Laboratory Medicine, Sinai Health System
Classification: Uncertain significance for Tibial muscular dystrophy; Myopathy, myofibrillar, 9, with early respiratory failure; Dilated cardiomyopathy 1G; Autosomal recessive limb-girdle muscular dystrophy type 2J; Early-onset myopathy with fatal cardiomyopathy; Hypertrophic cardiomyopathy 9. Last evaluated: 2022-05-24. Review status: criteria provided, single submitter. Criteria: ACMG Guidelines, 2015. Collection method: research. Allele origin: germline.

GeneDx
Classification: Uncertain significance. Last evaluated: 2019-06-13. Review status: criteria provided, single submitter. Criteria: GeneDx Variant Classification Process June 2021. Collection method: clinical testing. Allele origin: germline. Affected: yes.

Illumina Laboratory Services, Illumina
Classification: Uncertain significance for Autosomal recessive limb-girdle muscular dystrophy type 2J. Last evaluated: 2017-04-28. Review status: criteria provided, single submitter. Criteria: ICSL Variant Classification Criteria 13 December 2019. Collection method: clinical testing. Allele origin: germline.

Illumina Laboratory Services, Illumina
Classification: Uncertain significance for Dilated cardiomyopathy 1G. Last evaluated: 2017-04-28. Review status: criteria provided, single submitter. Criteria: ICSL Variant Classification Criteria 13 December 2019. Collection method: clinical testing. Allele origin: germline.

Illumina Laboratory Services, Illumina
Classification: Uncertain significance for Early-onset myopathy with fatal cardiomyopathy. Last evaluated: 2017-04-28. Review status: criteria provided, single submitter. Criteria: ICSL Variant Classification Criteria 13 December 2019. Collection method: clinical testing. Allele origin: germline.

Illumina Laboratory Services, Illumina
Classification: Uncertain significance for Myopathy, myofibrillar, 9, with early respiratory failure. Last evaluated: 2017-04-28. Review status: criteria provided, single submitter. Criteria: ICSL Variant Classification Criteria 13 December 2019. Collection method: clinical testing. Allele origin: germline.

Illumina Laboratory Services, Illumina
Classification: Uncertain significance for Tibial muscular dystrophy. Last evaluated: 2017-04-28. Review status: criteria provided, single submitter. Criteria: ICSL Variant Classification Criteria 13 December 2019. Collection method: clinical testing. Allele origin: germline.

Laboratory for Molecular Medicine, Mass General Brigham Personalized Medicine
Classification: Uncertain significance. Last evaluated: 2013-10-15. Review status: criteria provided, single submitter. Criteria: LMM Criteria. Collection method: clinical testing. Allele origin: germline. Observed: 2 variant alleles.
Comment: The Gln1835Lys variant in TTN has not been reported in any other families with c ardiomyopathy or in large population studies. Computational analyses (biochemica l amino acid properties, conservation, AlignGVGD, PolyPhen2, and SIFT) do not pr ovide strong support for or against an impact to the protein. Additional informa tion is needed to fully assess the clinical significance of this variant.